The following is an entry in ClinVar:

ClinVar aggregate classification (germline): Uncertain significance (1 of 4 stars; one submission).

Conditions:
Combined immunodeficiency due to DOCK8 deficiency (HIES2). Also called: HIES autosomal recessive; DOCK8 Deficiency; Hyper-IgE recurrent infection syndrome, autosomal recessive; HYPER-IgE RECURRENT INFECTION SYNDROME 2, AUTOSOMAL RECESSIVE; HYPER-IgE SYNDROME 2, AUTOSOMAL RECESSIVE, WITH RECURRENT INFECTIONS. Identifiers: Orphanet 217390, MedGen C4722305, MONDO:0009478, OMIM 243700.

Submission:

Labcorp Genetics (formerly Invitae), Labcorp
Classification: Uncertain significance for Combined immunodeficiency due to DOCK8 deficiency. Last evaluated: 2019-11-15. Review status: criteria provided, single submitter. Criteria: Invitae Variant Classification Sherloc (09022015). Collection method: clinical testing. Allele origin: germline.
Comment: This sequence change replaces isoleucine with methionine at codon 1444 of the DOCK8 protein (p.Ile1444Met). The isoleucine residue is highly conserved and there is a small physicochemical difference between isoleucine and methionine. This variant is not present in population databases (ExAC no frequency). This variant has not been reported in the literature in individuals with DOCK8-related conditions. Algorithms developed to predict the effect of missense changes on protein structure and function are either unavailable or do not agree on the potential impact of this missense change (SIFT: "Deleterious"; PolyPhen-2: "Probably Damaging"; Align-GVGD: "Class C0"). In summary, the available evidence is currently insufficient to determine the role of this variant in disease. Therefore, it has been classified as a Variant of Uncertain Significance.

NM_203447.4(DOCK8):c.4332T>G (p.Ile1444Met)

Gene: DOCK8 (dedicator of cytokinesis 8; plus strand). Cytogenetic location: 9p24.3.
Variant type: single nucleotide variant.
Coding change: c.4332T>G on transcript NM_203447.4 (MANE Select); coding-DNA position 4332, T replaced by G.
Protein change: p.Ile1444Met; replaces isoleucine 1444 with methionine.
Molecular consequence: missense variant.
Genome position (GRCh38, 1-based): chr9:426,975, T>G. VCF-style: chr9-426975-T-G. GRCh37 (hg19) VCF-style: chr9-426975-T-G.
Other names: c.4032T>G, p.Ile1344Met (NM_001190458.2); c.4128T>G, p.Ile1376Met (NM_001193536.2); short protein forms I1376M, I1444M, I1344M.
Identifiers: ClinVar variation 959318 (VCV000959318.10), dbSNP rs975030785, ClinGen allele CA372765898.
Genomic context (GRCh38, chr9:426,975, plus strand): 5'-GATCAGTGGCAATCTGGCTACAGAAGCACATTTAATCATCCTGGATATGCAGGAAAACAT[T>G]ATCCAGGTGAGGAAAACAAACACCCAATCTGATTTGTTGGCCATGAATATGTTTACTAGA-3'
Protein context (NP_982272.2, residues 1434-1454): HLIILDMQEN[Ile1444Met]IQASSALDCK